The following is an entry in ClinVar:

ClinVar aggregate classification (germline): Uncertain significance (1 of 4 stars; one submission).

Submission:

Ambry Genetics
Classification: Uncertain significance. Last evaluated: 2025-03-07. Review status: criteria provided, single submitter. Criteria: Ambry Variant Classification Scheme 2023. Collection method: clinical testing. Allele origin: germline.
Comment: The p.Q1133E variant (also known as c.3397C>G), located in coding exon 13 of the CDK12 gene, results from a C to G substitution at nucleotide position 3397. The glutamine at codon 1133 is replaced by glutamic acid, an amino acid with highly similar properties. This amino acid position is conserved. In addition, the in silico prediction for this alteration is inconclusive. Based on the available evidence, the clinical significance of this variant remains unclear.

NM_016507.4(CDK12):c.3397C>G (p.Gln1133Glu)

Gene: CDK12 (cyclin dependent kinase 12; plus strand). Cytogenetic location: 17q12.
Variant type: single nucleotide variant.
Coding change: c.3397C>G on transcript NM_016507.4 (MANE Select); coding-DNA position 3397, C replaced by G.
Protein change: p.Gln1133Glu; replaces glutamine 1133 with glutamic acid.
Molecular consequence: missense variant.
Genome position (GRCh38, 1-based): chr17:39,525,953, C>G. VCF-style: chr17-39525953-C-G. GRCh37 (hg19) VCF-style: chr17-37682206-C-G.
Other names: c.3397C>G, p.Gln1133Glu (NM_015083.4); short protein forms Q1133E.
Identifiers: ClinVar variation 3830763 (VCV003830763.1).